The following is an entry in ClinVar:

ClinVar aggregate classification (germline): Uncertain significance. Review status: criteria provided, multiple submitters, no conflicts (2 of 4 stars). 2 submissions from 2 submitters: Uncertain significance (2). Last evaluated 2025-06-29.

Conditions:
Cardiovascular phenotype. Identifiers: MedGen CN230736.
Brugada syndrome 5 (BRGDA5). Identifiers: Orphanet 130, Orphanet 871, MedGen C2748541, MONDO:0013015, OMIM 612838.

Allele frequency attached by ClinVar (database versions not stated): gnomAD 0.00001; TOPMed 0.00001.
gnomAD v4.1: 1 of 1,613,692 alleles (0.000062%); highest among the groups gnomAD compares: African/African-American, 0.0013%; no homozygotes.

Submissions (2):

Labcorp Genetics (formerly Invitae), Labcorp
Classification: Uncertain significance for Brugada syndrome 5. Last evaluated: 2025-06-29. Review status: criteria provided, single submitter. Criteria: Invitae Variant Classification Sherloc (09022015). Collection method: clinical testing. Allele origin: germline.
Comment: This sequence change replaces alanine, which is neutral and non-polar, with valine, which is neutral and non-polar, at codon 17 of the SCN1B protein (p.Ala17Val). This variant is not present in population databases (gnomAD no frequency). This variant has not been reported in the literature in individuals affected with SCN1B-related conditions. ClinVar contains an entry for this variant (Variation ID: 1745338). An algorithm developed to predict the effect of missense changes on protein structure and function outputs the following: PolyPhen-2: "Not Available". The valine amino acid residue is found in multiple mammalian species, which suggests that this missense change does not adversely affect protein function. In summary, the available evidence is currently insufficient to determine the role of this variant in disease. Therefore, it has been classified as a Variant of Uncertain Significance.

Ambry Genetics
Classification: Uncertain significance for Cardiovascular phenotype. Last evaluated: 2024-11-10. Review status: criteria provided, single submitter. Criteria: Ambry Variant Classification Scheme 2023. Collection method: clinical testing. Allele origin: germline.
Comment: The p.A17V variant (also known as c.50C>T), located in coding exon 2 of the SCN1B gene, results from a C to T substitution at nucleotide position 50. The alanine at codon 17 is replaced by valine, an amino acid with similar properties. This amino acid position is not well conserved in available vertebrate species, and valine is the reference amino acid in other vertebrate species. In addition, the in silico prediction for this alteration is inconclusive. Since supporting evidence is limited at this time, the clinical significance of this alteration remains unclear.

NM_001037.5(SCN1B):c.50C>T (p.Ala17Val)

Gene: SCN1B (sodium voltage-gated channel beta subunit 1; plus strand). Cytogenetic location: 19q13.11.
Variant type: single nucleotide variant.
Coding change: c.50C>T on transcript NM_001037.5 (MANE Select); coding-DNA position 50, C replaced by T.
Protein change: p.Ala17Val; replaces alanine 17 with valine.
Molecular consequence: missense variant. On other transcripts: 5 prime UTR variant (1).
Genome position (GRCh38, 1-based): chr19:35,032,537, C>T. VCF-style: chr19-35032537-C-T. GRCh37 (hg19) VCF-style: chr19-35523441-C-T.
Other names: c.-50C>T (NM_001321605.2); c.50C>T, p.Ala17Val (NM_199037.5); short protein forms A17V.
Identifiers: ClinVar variation 1745338 (VCV001745338.6), dbSNP rs2064220382, ClinGen allele CA405327888.